The following is an entry in ClinVar:

ClinVar aggregate classification (germline): Likely benign. Review status: criteria provided, multiple submitters, no conflicts (2 of 4 stars). 2 submissions from 2 submitters: Likely benign (2). Last evaluated 2024-10-21.

Conditions:
KDM6B-related disorder. Also called: KDM6B-related condition.
Inborn genetic diseases. Identifiers: MedGen C0950123, MeSH D030342.

Allele frequency attached by ClinVar (database versions not stated): ExAC 0.00005.
gnomAD v4.1: 49 of 1,560,798 alleles (0.0031%); highest among the groups gnomAD compares: Admixed American, 0.05%; no homozygotes.

Submissions (2):

PreventionGenetics, part of Exact Sciences
Classification: Likely benign for KDM6B-related condition. Last evaluated: 2024-10-21. Review status: criteria provided, single submitter. Criteria: ACMG Guidelines, 2015. Collection method: clinical testing. Allele origin: germline.
Comment: This variant is classified as likely benign based on ACMG/AMP sequence variant interpretation guidelines (Richards et al. 2015 PMID: 25741868, with internal and published modifications).

Ambry Genetics
Classification: Likely benign for Inborn genetic diseases. Last evaluated: 2023-10-28. Review status: criteria provided, single submitter. Criteria: Ambry Variant Classification Scheme 2023. Collection method: clinical testing. Allele origin: germline.

NM_001348716.2(KDM6B):c.2963G>T (p.Arg988Leu)

Gene: KDM6B (lysine demethylase 6B; plus strand). Cytogenetic location: 17p13.1.
Variant type: single nucleotide variant.
Coding change: c.2963G>T on transcript NM_001348716.2 (MANE Select); coding-DNA position 2963, G replaced by T.
Protein change: p.Arg988Leu; replaces arginine 988 with leucine.
Molecular consequence: missense variant.
Genome position (GRCh38, 1-based): chr17:7,849,251, G>T. VCF-style: chr17-7849251-G-T. GRCh37 (hg19) VCF-style: chr17-7752569-G-T.
Other names: c.2963G>T, p.Arg988Leu (NM_001080424.2); short protein forms R988L.
Identifiers: ClinVar variation 3046901 (VCV003046901.4), dbSNP rs749981813, ClinGen allele CA8361052.